The following is an entry in ClinVar:

NM_000179.3(MSH6):c.2737G>C (p.Asp913His)

Gene: MSH6 (mutS homolog 6; plus strand). Cytogenetic location: 2p16.3.
Variant type: single nucleotide variant.
Coding change: c.2737G>C on transcript NM_000179.3 (MANE Select); coding-DNA position 2737, G replaced by C.
Protein change: p.Asp913His; replaces aspartic acid 913 with histidine.
Molecular consequence: missense variant. On other transcripts: non-coding transcript variant (5), intron variant (2).
Genome position (GRCh38, 1-based): chr2:47,800,720, G>C. VCF-style: chr2-47800720-G-C. GRCh37 (hg19) VCF-style: chr2-48027859-G-C.
Other names: c.2347G>C, p.Asp783His (NM_001281492.2); c.1831G>C, p.Asp611His (NM_001281493.2, NM_001281494.2, NM_001406811.1 and 6 more transcripts); c.2833G>C, p.Asp945His (NM_001406795.1, NM_001406802.1); c.2737G>C, p.Asp913His (NM_001406796.1, NM_001406798.1, NM_001406800.1 and 2 more transcripts); c.2440G>C, p.Asp814His (NM_001406797.1, NM_001406801.1, NM_001406805.1 and 10 more transcripts); c.2212G>C, p.Asp738His (NM_001406799.1, NM_001406806.1, NM_001406807.1); c.2659G>C, p.Asp887His (NM_001406804.1); c.2743G>C, p.Asp915His (NM_001406813.1); and 4 more; short protein forms D228H, D611H, D738H, D783H, D814H, D857H, D887H, D913H.
Identifiers: ClinVar variation 3893852 (VCV003893852.1).

ClinVar aggregate classification (germline): Uncertain significance (1 of 4 stars; one submission).

Conditions:
Hereditary cancer-predisposing syndrome. Also called: Neoplastic Syndromes, Hereditary; Tumor predisposition; Hereditary Cancer Syndrome; Hereditary neoplastic syndrome. Identifiers: Orphanet 140162, MedGen C0027672, MeSH D009386, MONDO:0015356.

Submission:

Color Diagnostics, LLC DBA Color Health
Classification: Uncertain significance for Hereditary cancer-predisposing syndrome. Last evaluated: 2024-11-17. Review status: criteria provided, single submitter. Criteria: ACMG Guidelines, 2015. Collection method: clinical testing. Allele origin: germline.
Comment: This missense variant replaces aspartic acid with histidine at codon 913 of the MSH6 protein. Computational prediction suggests that this variant may have deleterious impact on protein structure and function (internally defined REVEL score threshold >= 0.7, PMID: 27666373). To our knowledge, functional studies have not been reported for this variant. This variant has not been reported in individuals affected with MSH6-related disorders in the literature. This variant has not been identified in the general population by the Genome Aggregation Database (gnomAD). The available evidence is insufficient to determine the role of this variant in disease conclusively. Therefore, this variant is classified as a Variant of Uncertain Significance.